The following is an entry in ClinVar:

ClinVar aggregate classification (germline): Uncertain significance (1 of 4 stars; one submission).

Conditions:
Hereditary spastic paraplegia 73. Also called: Spastic paraplegia 73, autosomal dominant. Identifiers: Orphanet 444099, MedGen C5568981, MONDO:0014568, OMIM 616282.

gnomAD v4.1: 1 of 1,612,816 alleles (0.000062%); highest among the groups gnomAD compares: Non-Finnish European, 0.000085%; no homozygotes.

Submission:

Labcorp Genetics (formerly Invitae), Labcorp
Classification: Uncertain significance for Hereditary spastic paraplegia 73. Last evaluated: 2024-08-12. Review status: criteria provided, single submitter. Criteria: Invitae Variant Classification Sherloc (09022015). Collection method: clinical testing. Allele origin: germline.
Comment: This sequence change replaces serine, which is neutral and polar, with phenylalanine, which is neutral and non-polar, at codon 145 of the CPT1C protein (p.Ser145Phe). This variant is not present in population databases (gnomAD no frequency). This variant has not been reported in the literature in individuals affected with CPT1C-related conditions. An algorithm developed to predict the effect of missense changes on protein structure and function (PolyPhen-2) suggests that this variant is likely to be tolerated. In summary, the available evidence is currently insufficient to determine the role of this variant in disease. Therefore, it has been classified as a Variant of Uncertain Significance.

NM_001199753.2(CPT1C):c.434C>T (p.Ser145Phe)

Gene: CPT1C (carnitine palmitoyltransferase 1C; plus strand). Cytogenetic location: 19q13.33.
Variant type: single nucleotide variant.
Coding change: c.434C>T on transcript NM_001199753.2 (MANE Select); coding-DNA position 434, C replaced by T.
Protein change: p.Ser145Phe; replaces serine 145 with phenylalanine.
Molecular consequence: missense variant. On other transcripts: non-coding transcript variant (1).
Genome position (GRCh38, 1-based): chr19:49,700,836, C>T. VCF-style: chr19-49700836-C-T. GRCh37 (hg19) VCF-style: chr19-50204093-C-T.
Other names: c.434C>T, p.Ser145Phe (NM_001378482.1, NM_001378483.1, NM_001378484.1 and 7 more transcripts); short protein forms S145F.
Identifiers: ClinVar variation 3655538 (VCV003655538.2).